The following is an entry in ClinVar:

ClinVar aggregate classification (germline): Uncertain significance. Review status: criteria provided, multiple submitters, no conflicts (2 of 4 stars). 2 submissions from 2 submitters: Uncertain significance (2). Last evaluated 2026-03-01.

gnomAD v4.1: 133 of 1,551,510 alleles (0.0086%); highest among the groups gnomAD compares: Non-Finnish European, 0.011%; no homozygotes.

Submissions (2):

CeGaT Center for Human Genetics Tuebingen
Classification: Uncertain significance. Last evaluated: 2026-03-01. Review status: criteria provided, single submitter. Criteria: CeGaT Center For Human Genetics Tuebingen Variant Classification Criteria Version 2. Collection method: clinical testing. Allele origin: germline. Affected: yes. Observed: 1 variant allele.
Comment: TET2: PM2, BP4

Labcorp Genetics (formerly Invitae), Labcorp
Classification: Uncertain significance. Last evaluated: 2025-05-19. Review status: criteria provided, single submitter. Criteria: Invitae Variant Classification Sherloc (09022015). Collection method: clinical testing. Allele origin: germline.
Comment: This sequence change replaces asparagine, which is neutral and polar, with lysine, which is basic and polar, at codon 1636 of the TET2 protein (p.Asn1636Lys). This variant is present in population databases (no rsID available, gnomAD 0.002%). This variant has not been reported in the literature in individuals affected with TET2-related conditions. An algorithm developed to predict the effect of missense changes on protein structure and function (PolyPhen-2) suggests that this variant is likely to be disruptive. In summary, the available evidence is currently insufficient to determine the role of this variant in disease. Therefore, it has been classified as a Variant of Uncertain Significance.

NM_001127208.3(TET2):c.4908C>G (p.Asn1636Lys)

Genes: TET2 (tet methylcytosine dioxygenase 2; plus strand), TET2-AS1 (TET2 antisense RNA 1; minus strand). Cytogenetic location: 4q24.
Variant type: single nucleotide variant.
Coding change: c.4908C>G on transcript NM_001127208.3 (MANE Select); coding-DNA position 4908, C replaced by G.
Protein change: p.Asn1636Lys; replaces asparagine 1636 with lysine.
Molecular consequence: missense variant.
Genome position (GRCh38, 1-based): chr4:105,275,418, C>G. VCF-style: chr4-105275418-C-G. GRCh37 (hg19) VCF-style: chr4-106196575-C-G.
Other names: short protein forms N1636K.
Identifiers: ClinVar variation 4747750 (VCV004747750.5).